The following is an entry in ClinVar:

NM_003466.4(PAX8):c.325G>C (p.Asp109His)

Genes: PAX8 (paired box 8; minus strand), PAX8-AS1 (PAX8 antisense RNA 1; plus strand). Cytogenetic location: 2q14.1.
Variant type: single nucleotide variant.
Coding change: c.325G>C on transcript NM_003466.4 (MANE Select); coding-DNA position 325, G replaced by C.
Protein change: p.Asp109His; replaces aspartic acid 109 with histidine.
Molecular consequence: missense variant.
Genome position (GRCh38, 1-based): chr2:113,244,491, C>G on the plus strand (G>C on the coding strand, the complement: PAX8 is on the minus strand). VCF-style: chr2-113244491-C-G. GRCh37 (hg19) VCF-style: chr2-114002068-C-G.
Other names: c.325G>C, p.Asp109His (NM_013952.4, NM_013953.4, NM_013992.4); short protein forms D109H.
Identifiers: ClinVar variation 2443661 (VCV002443661.1), dbSNP rs2466929606, ClinGen allele CA348302338.

ClinVar aggregate classification (germline): Uncertain significance (1 of 4 stars; one submission).

Submission:

GeneDx
Classification: Uncertain significance. Last evaluated: 2022-09-12. Review status: criteria provided, single submitter. Criteria: GeneDx Variant Classification Process June 2021. Collection method: clinical testing. Allele origin: germline. Affected: yes.
Comment: Not observed at significant frequency in large population cohorts (gnomAD); In silico analysis supports that this missense variant has a deleterious effect on protein structure/function; Has not been previously published as pathogenic or benign to our knowledge